The following is an entry in ClinVar:

ClinVar aggregate classification (germline): Conflicting classifications of pathogenicity. Review status: criteria provided, conflicting classifications (1 of 4 stars). 4 submissions from 4 submitters: Uncertain significance (3); Likely benign (1). Last evaluated 2025-10-02.

Conditions:
Inborn genetic diseases. Identifiers: MedGen C0950123, MeSH D030342.

Allele frequency attached by ClinVar (database versions not stated): ExAC 0.00001; gnomAD 0.00002; gnomAD exomes 0.00002; TOPMed 0.00002.
gnomAD v4.1: 25 of 1,209,065 alleles (0.0021%); highest among the groups gnomAD compares: Non-Finnish European, 0.0027%; no homozygotes.

Submissions (4):

Labcorp Genetics (formerly Invitae), Labcorp
Classification: Uncertain significance. Last evaluated: 2025-10-02. Review status: criteria provided, single submitter. Criteria: Invitae Variant Classification Sherloc (09022015). Collection method: clinical testing. Allele origin: germline.
Comment: This sequence change replaces proline, which is neutral and non-polar, with alanine, which is neutral and non-polar, at codon 385 of the MID1 protein (p.Pro385Ala). This variant is present in population databases (rs200213912, gnomAD 0.004%). This variant has not been reported in the literature in individuals affected with MID1-related conditions. ClinVar contains an entry for this variant (Variation ID: 1734623). Invitae Evidence Modeling of protein sequence and biophysical properties (such as structural, functional, and spatial information, amino acid conservation, physicochemical variation, residue mobility, and thermodynamic stability) indicates that this missense variant is not expected to disrupt MID1 protein function with a negative predictive value of 80%. In summary, the available evidence is currently insufficient to determine the role of this variant in disease. Therefore, it has been classified as a Variant of Uncertain Significance.

Blueprint Genetics
Classification: Likely benign. Last evaluated: 2024-11-28. Review status: criteria provided, single submitter. Criteria: ACMG Guidelines, 2015. Collection method: clinical testing. Allele origin: germline.

GeneDx
Classification: Uncertain significance. Last evaluated: 2023-05-08. Review status: criteria provided, single submitter. Criteria: GeneDx Variant Classification Process June 2021. Collection method: clinical testing. Allele origin: germline. Affected: yes.
Comment: In silico analysis supports that this missense variant has a deleterious effect on protein structure/function; Has not been previously published as pathogenic or benign to our knowledge

Ambry Genetics
Classification: Uncertain significance for Inborn genetic diseases. Last evaluated: 2017-09-06. Review status: criteria provided, single submitter. Criteria: Ambry Variant Classification Scheme 2023. Collection method: clinical testing. Allele origin: germline.
Comment: The p.P385A variant (also known as c.1153C>G), located in coding exon 6 of the MID1 gene, results from a C to G substitution at nucleotide position 1153. The proline at codon 385 is replaced by alanine, an amino acid with highly similar properties. This amino acid position is highly conserved in available vertebrate species. In addition, the in silico prediction for this alteration is inconclusive. Since supporting evidence is limited at this time, the clinical significance of this alteration remains unclear.

NM_000381.4(MID1):c.1153C>G (p.Pro385Ala)

Gene: MID1 (midline 1; minus strand). Cytogenetic location: Xp22.2.
Variant type: single nucleotide variant.
Coding change: c.1153C>G on transcript NM_000381.4 (MANE Select); coding-DNA position 1153, C replaced by G.
Protein change: p.Pro385Ala; replaces proline 385 with alanine.
Molecular consequence: missense variant.
Genome position (GRCh38, 1-based): chrX:10,469,829, G>C on the plus strand (C>G on the coding strand, the complement: MID1 is on the minus strand). VCF-style: chrX-10469829-G-C. GRCh37 (hg19) VCF-style: chrX-10437869-G-C.
Other names: c.1153C>G, p.Pro385Ala (NM_001098624.2, NM_001193277.1, NM_001193279.1 and 2 more transcripts); c.1306C>G, p.Pro436Ala (NM_001193278.1); c.1039C>G, p.Pro347Ala (NM_001193280.1, NM_033289.2); c.1153C>G (NM_000381.2); short protein forms P385A, P436A, P347A.
Identifiers: ClinVar variation 1734623 (VCV001734623.6), dbSNP rs200213912, ClinGen allele CA10347535.